The following is an entry in ClinVar:

ClinVar aggregate classification (germline): Likely pathogenic (1 of 4 stars; one submission).

Submission:

Labcorp Genetics (formerly Invitae), Labcorp
Classification: Likely pathogenic. Last evaluated: 2023-12-24. Review status: criteria provided, single submitter. Criteria: Invitae Variant Classification Sherloc (09022015). Collection method: clinical testing. Allele origin: germline.
Comment: This sequence change replaces arginine, which is basic and polar, with leucine, which is neutral and non-polar, at codon 2077 of the ABCA4 protein (p.Arg2077Leu). This variant is not present in population databases (gnomAD no frequency). This variant has not been reported in the literature in individuals affected with ABCA4-related conditions. Advanced modeling of protein sequence and biophysical properties (such as structural, functional, and spatial information, amino acid conservation, physicochemical variation, residue mobility, and thermodynamic stability) performed at Invitae indicates that this missense variant is expected to disrupt ABCA4 protein function with a positive predictive value of 95%. This variant disrupts the p.Arg2077 amino acid residue in ABCA4. Other variant(s) that disrupt this residue have been determined to be pathogenic (PMID: 28559085, 29847635). This suggests that this residue is clinically significant, and that variants that disrupt this residue are likely to be disease-causing. In summary, the currently available evidence indicates that the variant is pathogenic, but additional data are needed to prove that conclusively. Therefore, this variant has been classified as Likely Pathogenic.

Literature cited by the submitters: PubMed 28559085; PubMed 29847635.

NM_000350.3(ABCA4):c.6230G>T (p.Arg2077Leu)

Gene: ABCA4 (ATP binding cassette subfamily A member 4; minus strand). Cytogenetic location: 1p22.1.
Variant type: single nucleotide variant.
Coding change: c.6230G>T on transcript NM_000350.3 (MANE Select); coding-DNA position 6230, G replaced by T.
Protein change: p.Arg2077Leu; replaces arginine 2077 with leucine.
Molecular consequence: missense variant.
Genome position (GRCh38, 1-based): chr1:94,001,910, C>A on the plus strand (G>T on the coding strand, the complement: ABCA4 is on the minus strand). VCF-style: chr1-94001910-C-A. GRCh37 (hg19) VCF-style: chr1-94467466-C-A.
Other names: c.6008G>T, p.Arg2003Leu (NM_001425324.1); short protein forms R2003L, R2077L.
Identifiers: ClinVar variation 2705169 (VCV002705169.3), dbSNP rs886044759, ClinGen allele CA341278232.
Genomic context (GRCh38, chr1:94,001,910, plus strand): 5'-GCAGTTACCAGCAGCACCAGCGGTGGGCAGCCAATGAGTGCGATGGCTGTGGAGAGTTTC[C>A]GCTTGTTGCCCCCACTGTACGTGCCAGCCAGGCAGTCGGCGTAGACAGTCAGGCCCAGGC-3'
Protein context (NP_000341.2, residues 2067-2087): LAGTYSGGNK[Arg2077Leu]KLSTAIALIG